The following is an entry in ClinVar:

NM_001999.4(FBN2):c.4863C>G (p.Cys1621Trp)

Gene: FBN2 (fibrillin 2; minus strand). Cytogenetic location: 5q23.3.
Variant type: single nucleotide variant.
Coding change: c.4863C>G on transcript NM_001999.4 (MANE Select); coding-DNA position 4863, C replaced by G.
Protein change: p.Cys1621Trp; replaces cysteine 1621 with tryptophan.
Molecular consequence: missense variant.
Genome position (GRCh38, 1-based): chr5:128,312,650, G>C on the plus strand (C>G on the coding strand, the complement: FBN2 is on the minus strand). VCF-style: chr5-128312650-G-C. GRCh37 (hg19) VCF-style: chr5-127648342-G-C.
Other names: p.Cys1621Trp; short protein forms C1621W.
Identifiers: ClinVar variation 989338 (VCV000989338.7), dbSNP rs1420949011, ClinGen allele CA360746506.

ClinVar aggregate classification (germline): Conflicting classifications of pathogenicity. Review status: criteria provided, conflicting classifications (1 of 4 stars). 3 submissions from 3 submitters: Likely pathogenic (1); Uncertain significance (1). 1 of the submissions does not count toward it. Last evaluated 2019-05-03.

Conditions:
FBN2-related disorder. Also called: FBN2-related condition.
Congenital contractural arachnodactyly (CCA). Also called: BEALS SYNDROME; Arthrogryposis, distal, type 9; Beals-Hecht syndrome. Identifiers: Orphanet 115, MedGen C0220668, MONDO:0007363, OMIM 121050.

Submissions (3):

Illumina Laboratory Services, Illumina
Classification: Uncertain significance for Congenital contractural arachnodactyly. Last evaluated: 2019-05-03. Review status: criteria provided, single submitter. Criteria: ICSLVariantClassificationCriteria RUGD 01 April 2020. Collection method: clinical testing. Allele origin: unknown.
Comment: The FBN2 c.4863C>G (p.Cys1621Trp) variant is a missense variant. A literature search was performed for the gene, cDNA change, and amino acid change. No publications were found based on this search. This variant is not found in the Genome Aggregation Database in a region of good sequence coverage, so the variant is presumed to be rare. This variant impacts a cysteine residue in one of several transforming growth factor (TGF)-Î² binding protein domains, which are characterized by eight cysteine residues that form four stabilizing disulfide bonds. Disruption of these bonds may impact protein structure (Piha-Gossack et al. 2012). Based on the limited evidence, the p.Cys1621Trp variant is classified as a variant of uncertain significance for congenital contractural arachnodactyly.

Clinical Genetics Service, Universitary Hospital 12 de Octubre
Classification: Likely pathogenic for Congenital contractural arachnodactyly. Review status: criteria provided, single submitter. Criteria: ACMG Guidelines, 2015. Collection method: clinical testing. Allele origin: de novo. Affected: yes.

Undiagnosed Diseases Network, NIH
Classification: Uncertain significance for FBN2-related condition. Last evaluated: 2021-06-23. Review status: no assertion criteria provided. Collection method: clinical testing. Allele origin: de novo. Affected: yes. Observed: 1 variant allele, 1 heterozygote. Study: Undiagnosed Diseases Network (NIH), UDN. Not counted in ClinVar's aggregate classification.

Literature cited by the submitters: PubMed 22438950 (cited by Illumina Laboratory Services, Illumina).